The following is an entry in ClinVar:

ClinVar aggregate classification (germline): Pathogenic (1 of 4 stars; one submission).

Conditions:
DNA ligase IV deficiency. Identifiers: Orphanet 99812, MedGen C1847827, MONDO:0011686, OMIM 606593.

Allele frequency attached by ClinVar (database versions not stated): gnomAD exomes below 0.00001 and 0.00002; ExAC 0.00001; gnomAD 0.00002; TOPMed 0.00002.
gnomAD v4.1: 35 of 1,613,042 alleles (0.0022%); highest among the groups gnomAD compares: Middle Eastern, 0.016%; no homozygotes.

Submission:

Labcorp Genetics (formerly Invitae), Labcorp
Classification: Pathogenic for DNA ligase IV deficiency. Last evaluated: 2024-07-15. Review status: criteria provided, single submitter. Criteria: Invitae Variant Classification Sherloc (09022015). Collection method: clinical testing. Allele origin: germline.
Comment: This sequence change creates a premature translational stop signal (p.Arg25*) in the LIG4 gene. While this is not anticipated to result in nonsense mediated decay, it is expected to disrupt the last 887 amino acid(s) of the LIG4 protein. This variant is present in population databases (rs753883369, gnomAD no frequency). This premature translational stop signal has been observed in individual(s) with combined immunodeficiency (PMID: 26151233). ClinVar contains an entry for this variant (Variation ID: 1453558). This variant disrupts a region of the LIG4 protein in which other variant(s) (p.Arg814*) have been determined to be pathogenic (PMID: 11779494, 16088910, 25239263, 27063650, 27612988). This suggests that this is a clinically significant region of the protein, and that variants that disrupt it are likely to be disease-causing. For these reasons, this variant has been classified as Pathogenic.

Literature cited by the submitters: PubMed 26151233; PubMed 11779494; PubMed 16088910; PubMed 25239263; PubMed 27063650; PubMed 27612988.

NM_206937.2(LIG4):c.73C>T (p.Arg25Ter)

Gene: LIG4 (DNA ligase 4; minus strand). Cytogenetic location: 13q33.3.
Variant type: single nucleotide variant.
Coding change: c.73C>T on transcript NM_206937.2 (MANE Select); coding-DNA position 73, C replaced by T.
Protein change: p.Arg25Ter; replaces arginine 25 with a stop codon.
Molecular consequence: nonsense. On other transcripts: 5 prime UTR variant (1).
Genome position (GRCh38, 1-based): chr13:108,211,196, G>A on the plus strand (C>T on the coding strand, the complement: LIG4 is on the minus strand). VCF-style: chr13-108211196-G-A. GRCh37 (hg19) VCF-style: chr13-108863544-G-A.
Other names: c.73C>T, p.Arg25Ter (NM_001098268.2, NM_001352598.2, NM_001352599.2 and 6 more transcripts); c.-129C>T (NM_001330595.2); c.109C>T, p.Arg37Ter (NM_001352604.2); short protein forms R25*, R37*.
Identifiers: ClinVar variation 1453558 (VCV001453558.8), dbSNP rs753883369, ClinGen allele CA7043897.
Genomic context (GRCh38, chr13:108,211,196, plus strand): 5'-AATCTAAAAATTCCCTGAAGTGTCTGATTTTTTCTGCACGTCCTTTACTTTTCTGTATTC[G>A]TTCTAAAGTTGAACACAAATCTGCAAAAGGAACGTGAGATGCAACAGTTTGTGAAGTTTG-3'